The following is an entry in ClinVar:

NM_001042492.3(NF1):c.4415T>G (p.Phe1472Cys)

Gene: NF1 (neurofibromin 1; plus strand). Cytogenetic location: 17q11.2.
Variant type: single nucleotide variant.
Coding change: c.4415T>G on transcript NM_001042492.3 (MANE Select); coding-DNA position 4415, T replaced by G.
Protein change: p.Phe1472Cys; replaces phenylalanine 1472 with cysteine.
Molecular consequence: missense variant.
Genome position (GRCh38, 1-based): chr17:31,259,114, T>G. VCF-style: chr17-31259114-T-G. GRCh37 (hg19) VCF-style: chr17-29586132-T-G.
Other names: c.4352T>G, p.Phe1451Cys (NM_000267.4); short protein forms F1451C, F1472C.
Identifiers: ClinVar variation 824817 (VCV000824817.4), dbSNP rs1597745737, ClinGen allele CA398998969.

ClinVar aggregate classification (germline): Uncertain significance (1 of 4 stars; one submission).

Conditions:
Hereditary cancer-predisposing syndrome. Also called: Neoplastic Syndromes, Hereditary; Tumor predisposition; Hereditary neoplastic syndrome; Hereditary Cancer Syndrome. Identifiers: Orphanet 140162, MedGen C0027672, MeSH D009386, MONDO:0015356.
Cardiovascular phenotype. Identifiers: MedGen CN230736.

Submission:

Ambry Genetics
Classification: Uncertain significance for Cardiovascular phenotype; Hereditary cancer-predisposing syndrome. Last evaluated: 2019-12-10. Review status: criteria provided, single submitter. Criteria: Ambry Variant Classification Scheme 2023. Collection method: clinical testing. Allele origin: germline.
Comment: The p.F1451C variant (also known as c.4352T>G), located in coding exon 32 of the NF1 gene, results from a T to G substitution at nucleotide position 4352. The phenylalanine at codon 1451 is replaced by cysteine, an amino acid with highly dissimilar properties. This amino acid position is highly conserved in available vertebrate species. In addition, this alteration is predicted to be deleterious by in silico analysis. Since supporting evidence is limited at this time, the clinical significance of this alteration remains unclear.